The following is an entry in ClinVar:

ClinVar aggregate classification (germline): Uncertain significance (1 of 4 stars; one submission).

Submission:

GeneDx
Classification: Uncertain significance. Last evaluated: 2023-03-02. Review status: criteria provided, single submitter. Criteria: GeneDx Variant Classification Process June 2021. Collection method: clinical testing. Allele origin: germline. Affected: yes.
Comment: Not observed at significant frequency in large population cohorts (gnomAD); In silico analysis supports that this missense variant does not alter protein structure/function; Has not been previously published as pathogenic or benign to our knowledge

NM_022455.5(NSD1):c.3193G>T (p.Asp1065Tyr)

Gene: NSD1 (nuclear receptor binding SET domain protein 1; plus strand). Cytogenetic location: 5q35.3.
Variant type: single nucleotide variant.
Coding change: c.3193G>T on transcript NM_022455.5 (MANE Select); coding-DNA position 3193, G replaced by T.
Protein change: p.Asp1065Tyr; replaces aspartic acid 1065 with tyrosine.
Molecular consequence: missense variant.
Genome position (GRCh38, 1-based): chr5:177,211,592, G>T. VCF-style: chr5-177211592-G-T. GRCh37 (hg19) VCF-style: chr5-176638593-G-T.
Other names: c.2320G>T, p.Asp774Tyr (NM_001365684.2, NM_001409306.1, NM_001409307.1 and 3 more transcripts); c.3193G>T, p.Asp1065Tyr (NM_001409301.1, NM_001409302.1, NM_001409303.1); c.2773G>T, p.Asp925Tyr (NM_001409304.1); c.2440G>T, p.Asp814Tyr (NM_001409305.1); short protein forms D1065Y, D774Y, D814Y, D925Y.
Identifiers: ClinVar variation 2578096 (VCV002578096.1), dbSNP rs1385339363, ClinGen allele CA362322684.